The following is an entry in ClinVar:

NM_000186.4(CFH):c.2655del (p.Arg885fs)

Gene: CFH (complement factor H; plus strand). Cytogenetic location: 1q31.3.
Variant type: Deletion.
Coding change: c.2655del on transcript NM_000186.4 (MANE Select); coding-DNA position 2655, one base deleted (G; older notation c.2655delG).
Protein change: p.Arg885fs; shifts the reading frame from arginine 885.
Molecular consequence: frameshift variant.
Genome position (GRCh38, 1-based): chr1:196,737,533, G deleted; the last of 2 consecutive G bases (chr1:196,737,532-196,737,533); deleting either gives the same sequence. VCF-style (leftmost placement, unchanged base first): chr1-196737531-AG-A. GRCh37 (hg19) VCF-style: chr1-196706661-AG-A.
Other names: short protein forms R885fs.
Identifiers: ClinVar variation 4291498 (VCV004291498.2).
Genomic context (GRCh38, chr1:196,737,531, plus strand): 5'-TTAGAAAAAATTCCATGTTCACAACCACCTCAGATAGAACACGGAACCATTAATTCATCC[AG>A]GTCTTCACAAGAAAGTTATGCACATGGGACTAAATTGAGTTATACTTGTGAGGGTGGTTT-3'

ClinVar aggregate classification (germline): Pathogenic (1 of 4 stars; one submission).

Conditions:
Atypical hemolytic-uremic syndrome. Identifiers: Orphanet 2134, MedGen C2931788, MONDO:0016244.
Factor H deficiency (CFHD). Also called: COMPLEMENT FACTOR H DEFICIENCY; CFH DEFICIENCY. Identifiers: Orphanet 200421, MedGen C0398777, MONDO:0012350, OMIM 609814.

Submission:

Genomenon, Inc
Classification: Pathogenic for Atypical hemolytic-uremic syndrome; Factor H deficiency. Last evaluated: 2026-09-17. Review status: criteria provided, single submitter. Criteria: Genomenon Sequence Variant Interpretation Standards - Updated. Collection method: curation. Allele origin: germline. Affected: yes.
Comment: CFH p.Arg885SerfsTer13 (c.2655del) is a frameshift variant that is predicted to introduce a premature termination codon and result in a truncated or absent protein product. This variant has been observed in at least one proband affected with a CFH-related disorder (PMID: 28941939). Functional studies have been reported (PMID: 28941939). It is absent or not present at a significant frequency in gnomAD. In conclusion, we classify CFH p.Arg885SerfsTer13 (c.2655del) as a pathogenic variant.

Literature cited by the submitters: PubMed 28941939.